The following is an entry in ClinVar:

NM_020975.6(RET):c.2608-9del

Gene: RET (ret proto-oncogene; plus strand). Cytogenetic location: 10q11.21.
Variant type: Deletion.
Coding change: c.2608-9del on transcript NM_020975.6 (MANE Select); 9 bases into the intron before coding-DNA position 2608, one base deleted (T; older notation c.2608-9delT).
Molecular consequence: intron variant.
Genome position (GRCh38, 1-based): chr10:43,120,072, T deleted; the last of 5 consecutive T bases (chr10:43,120,068-43,120,072); deleting any one gives the same sequence. VCF-style (leftmost placement, unchanged base first): chr10-43120067-AT-A. GRCh37 (hg19) VCF-style: chr10-43615515-AT-A.
Other names: c.2608-9del (NM_020630.7, NM_001406743.1, NM_001406744.1 and 2 more transcripts); c.2473-9del (NM_001406765.1, NM_001406763.1); c.2212-9del (NM_001406772.1, NM_001406769.1); c.2170-9del (NM_001406773.1, NM_001406771.1); c.1711-9del (NM_001406782.1, NM_001406780.1, NM_001406779.1 and 1 more transcripts); c.1576-9del (NM_001406787.1); c.1591-9del (NM_001406785.1); c.2479-9del (NM_001406764.1, NM_001406762.1, NM_001406761.1); and 10 more.
Identifiers: ClinVar variation 2914957 (VCV002914957.4), dbSNP rs2538575219, ClinGen allele CA2608875837.

ClinVar aggregate classification (germline): Likely benign. Review status: criteria provided, multiple submitters, no conflicts (2 of 4 stars). 2 submissions from 2 submitters: Likely benign (2). Last evaluated 2025-02-27.

Conditions:
Multiple endocrine neoplasia, type 2 (MEN2). Identifiers: Orphanet 653, MedGen C4048306, MONDO:0019003. Disease mechanism: gain of function.
Multiple endocrine neoplasia type 2A. Also called: Multiple Endocrine Neoplasia Type 2A (MEN2A); MULTIPLE ENDOCRINE NEOPLASIA, TYPE IIA; PTC SYNDROME; SIPPLE SYNDROME; MEN 2A; MEN-2A syndrome. Identifiers: Orphanet 247698, Orphanet 653, MedGen C0025268, MeSH D018813, MONDO:0008234, OMIM 171400.

Submissions (2):

Myriad Genetics, Inc.
Classification: Likely benign for Multiple endocrine neoplasia type 2A. Last evaluated: 2025-02-27. Review status: criteria provided, single submitter. Criteria: Myriad Autosomal Dominant, Autosomal Recessive and X-Linked Classification Criteria (2023). Collection method: clinical testing. Allele origin: unknown.
Comment: This variant is considered likely benign. This variant is intronic and is not expected to impact mRNA splicing.

Labcorp Genetics (formerly Invitae), Labcorp
Classification: Likely benign for Multiple endocrine neoplasia, type 2. Last evaluated: 2023-06-24. Review status: criteria provided, single submitter. Criteria: Invitae Variant Classification Sherloc (09022015). Collection method: clinical testing. Allele origin: germline.